The following is an entry in ClinVar:

ClinVar aggregate classification (germline): Pathogenic (1 of 4 stars; one submission).

Conditions:
Autosomal recessive limb-girdle muscular dystrophy type 2J (LGMDR10). Also called: Limb-girdle muscular dystrophy, type 2J; MUSCULAR DYSTROPHY, LIMB-GIRDLE, AUTOSOMAL RECESSIVE 10. Identifiers: Orphanet 140922, MedGen C1837342, MONDO:0012127, OMIM 608807.
Dilated cardiomyopathy 1G (CMD1G). Identifiers: Orphanet 154, MedGen C1858763, MONDO:0011400, OMIM 604145.

Submission:

Labcorp Genetics (formerly Invitae), Labcorp
Classification: Pathogenic for Dilated cardiomyopathy 1G; Autosomal recessive limb-girdle muscular dystrophy type 2J. Last evaluated: 2025-10-23. Review status: criteria provided, single submitter. Criteria: Invitae Variant Classification Sherloc (09022015). Collection method: clinical testing. Allele origin: germline.
Comment: This sequence change creates a premature translational stop signal (p.Phe13706Leufs*15) in the TTN gene. While this is not anticipated to result in nonsense mediated decay, it is expected to create a truncated TTN protein. This variant is not present in population databases (gnomAD no frequency). This premature translational stop signal has been observed in individuals with autosomal dominant dilated cardiomyopathy (internal data). ClinVar contains an entry for this variant (Variation ID: 238774). This variant is located in the I band of TTN (PMID: 25589632). Truncating variants in this region have been reported in individuals affected with autosomal recessive centronuclear myopathy (PMID: 23975875, internal data). Truncating variants in this region have also been identified in individuals affected with autosomal dominant dilated cardiomyopathy and/or cardio-related conditions (PMID: 27869827, 32964742, internal data). For these reasons, this variant has been classified as Pathogenic.

Literature cited by the submitters: PubMed 25589632; PubMed 23975875; PubMed 27869827; PubMed 32964742.

NM_001267550.2(TTN):c.41118del (p.Phe13706fs)

Gene: TTN (titin; minus strand). Cytogenetic location: 2q31.2.
Variant type: Deletion.
Coding change: c.41118del on transcript NM_001267550.2 (MANE Select); coding-DNA position 41118, one base deleted (T; older notation c.41118delT).
Protein change: p.Phe13706fs; shifts the reading frame from phenylalanine 13706.
Molecular consequence: frameshift variant.
Genome position (GRCh38, 1-based): chr2:178,636,609, A deleted on the plus strand (T on the coding strand, the reverse complement: TTN is on the minus strand); the first of 3 consecutive A bases (chr2:178,636,609-178,636,611); deleting any one gives the same sequence. VCF-style (leftmost placement, unchanged base first): chr2-178636608-CA-C. GRCh37 (hg19) VCF-style: chr2-179501335-CA-C.
Other names: c.41118delT (NM_001267550.2); c.36195del, p.Phe12065fs (NM_001256850.1); c.13923del, p.Phe4641fs (NM_003319.4); c.33414del, p.Phe11138fs (NM_133378.4); c.14298del, p.Phe4766fs (NM_133432.3); c.14499del, p.Phe4833fs (NM_133437.4); short protein forms F12065fs, F4766fs, F4833fs, F11138fs, F13706fs, F4641fs.
Identifiers: ClinVar variation 238774 (VCV000238774.9), dbSNP rs878854305, ClinGen allele CA10581874.